The following is an entry in ClinVar:

NM_000059.4(BRCA2):c.5219T>G (p.Leu1740Ter)

Gene: BRCA2 (BRCA2 DNA repair associated; plus strand). Cytogenetic location: 13q13.1.
Variant type: single nucleotide variant.
Coding change: c.5219T>G on transcript NM_000059.4 (MANE Select); coding-DNA position 5219, T replaced by G.
Protein change: p.Leu1740Ter; replaces leucine 1740 with a stop codon.
Molecular consequence: nonsense.
Genome position (GRCh38, 1-based): chr13:32,339,574, T>G. VCF-style: chr13-32339574-T-G. GRCh37 (hg19) VCF-style: chr13-32913711-T-G.
Other names: short protein forms L1740*.
Identifiers: ClinVar variation 800652 (VCV000800652.6), dbSNP rs1593904834, ClinGen allele CA387784634.

ClinVar aggregate classification (germline): Pathogenic/Likely pathogenic. Review status: criteria provided, multiple submitters, no conflicts (2 of 4 stars). 2 submissions from 2 submitters: Pathogenic (1); Likely pathogenic (1). Last evaluated 2025-05-13.

Conditions:
Hereditary breast ovarian cancer syndrome. Also called: BRCA1- and BRCA2-Associated Hereditary Breast and Ovarian Cancer; Hereditary breast and ovarian cancer syndrome; Hereditary breast and/or ovarian cancer syndrome; Hereditary breast and ovarian cancer; Hereditary breast and ovarian cancer syndrome (HBOC); Breast and ovarian cancer. Identifiers: Orphanet 145, MedGen C0677776, MeSH D061325, MONDO:0003582. Disease mechanism: loss of function.
Familial cancer of breast. Also called: hereditary breast carcinoma; BREAST CANCER, FAMILIAL; Hereditary breast cancer. Identifiers: Orphanet 227535, MedGen C0346153, MONDO:0016419, OMIM 114480. Disease mechanism: loss of function.

Submissions (2):

Labcorp Genetics (formerly Invitae), Labcorp
Classification: Pathogenic for Hereditary breast ovarian cancer syndrome. Last evaluated: 2025-05-13. Review status: criteria provided, single submitter. Criteria: Invitae Variant Classification Sherloc (09022015). Collection method: clinical testing. Allele origin: germline.
Comment: This sequence change creates a premature translational stop signal (p.Leu1740*) in the BRCA2 gene. It is expected to result in an absent or disrupted protein product. Loss-of-function variants in BRCA2 are known to be pathogenic (PMID: 20104584). This variant is not present in population databases (gnomAD no frequency). This premature translational stop signal has been observed in individual(s) with breast cancer (PMID: 31060517). ClinVar contains an entry for this variant (Variation ID: 800652). For these reasons, this variant has been classified as Pathogenic.

Division of Human Genetics, University Cheikh Anta Diop
Classification: Likely pathogenic for Familial cancer of breast. Last evaluated: 2019-12-17. Review status: criteria provided, single submitter. Criteria: Diop et al. (BMC Med Genet. 2019). Collection method: research. Allele origin: germline, inherited. Inheritance: Autosomal dominant inheritance. Affected: yes and no. Observed: 5 heterozygotes. Clinical features observed: Breast carcinoma (HP:0003002), Autosomal dominant inheritance, Unaffected sibling, unaffected sibling.
Comment: The c.5219T>G; (p.Leu1740Ter) variant has been reported in one family with inherited breast cancer from Senegal with autosomal dominant transmission. The variant segregated with the disease in 5 individuals of the family and was absent from 48 healthy controls without known cancer. Functional study has not yet been done

Literature cited by the submitters: PubMed 20104584 (cited by Labcorp Genetics (formerly Invitae), Labcorp); PubMed 31060517 (cited by Labcorp Genetics (formerly Invitae), Labcorp).